The following is an entry in ClinVar:

NM_024529.5(CDC73):c.104A>G (p.Asn35Ser)

Gene: CDC73 (cell division cycle 73; plus strand). Cytogenetic location: 1q31.2.
Variant type: single nucleotide variant.
Coding change: c.104A>G on transcript NM_024529.5 (MANE Select); coding-DNA position 104, A replaced by G.
Protein change: p.Asn35Ser; replaces asparagine 35 with serine.
Molecular consequence: missense variant.
Genome position (GRCh38, 1-based): chr1:193,122,304, A>G. VCF-style: chr1-193122304-A-G. GRCh37 (hg19) VCF-style: chr1-193091434-A-G.
Other names: short protein forms N35S.
Identifiers: ClinVar variation 2851102 (VCV002851102.3), dbSNP rs2527281449, ClinGen allele CA343972957.

ClinVar aggregate classification (germline): Uncertain significance (1 of 4 stars; one submission).

Conditions:
Parathyroid carcinoma (PRTC). Also called: CDC73-Related Parathyroid Carcinoma; Parathyroid gland carcinoma. Identifiers: Orphanet 143, MedGen C0687150, MONDO:0012004, OMIM 608266, HP:0006780.

Submission:

Labcorp Genetics (formerly Invitae), Labcorp
Classification: Uncertain significance for Parathyroid carcinoma. Last evaluated: 2023-03-31. Review status: criteria provided, single submitter. Criteria: Invitae Variant Classification Sherloc (09022015). Collection method: clinical testing. Allele origin: germline.
Comment: In summary, the available evidence is currently insufficient to determine the role of this variant in disease. Therefore, it has been classified as a Variant of Uncertain Significance. This sequence change replaces asparagine, which is neutral and polar, with serine, which is neutral and polar, at codon 35 of the CDC73 protein (p.Asn35Ser). This variant is not present in population databases (gnomAD no frequency). This variant has not been reported in the literature in individuals affected with CDC73-related conditions. Advanced modeling of protein sequence and biophysical properties (such as structural, functional, and spatial information, amino acid conservation, physicochemical variation, residue mobility, and thermodynamic stability) performed at Invitae indicates that this missense variant is not expected to disrupt CDC73 protein function.